The following is an entry in ClinVar:

NM_017780.4(CHD7):c.8049del (p.Asp2684fs)

Gene: CHD7 (chromodomain helicase DNA binding protein 7; plus strand). Cytogenetic location: 8q12.2.
Variant type: Deletion.
Coding change: c.8049del on transcript NM_017780.4 (MANE Select); coding-DNA position 8049, one base deleted (A; older notation c.8049delA).
Protein change: p.Asp2684fs; shifts the reading frame from aspartic acid 2684.
Molecular consequence: frameshift variant.
Genome position (GRCh38, 1-based): chr8:60,862,625, A deleted. VCF-style (leftmost placement, unchanged base first): chr8-60862624-CA-C. GRCh37 (hg19) VCF-style: chr8-61775183-CA-C.
Other names: c.1902del, p.Asp635fs (NM_001316690.1); short protein forms D2684fs, D635fs.
Identifiers: ClinVar variation 689612 (VCV000689612.5), dbSNP rs1586463029, ClinGen allele CA915945727.

ClinVar aggregate classification (germline): Pathogenic. Review status: criteria provided, multiple submitters, no conflicts (2 of 4 stars). 2 submissions from 2 submitters: Pathogenic (2). Last evaluated 2023-03-16.

Conditions:
CHARGE syndrome (CHARGE). Also called: Coloboma, heart anomaly, choanal atresia, retardation, genital and ear anomalies; CHARGE association; Hall-Hittner syndrome; Hittner Hirsch Kreh syndrome; CHARGE ASSOCIATION--COLOBOMA, HEART ANOMALY, CHOANAL ATRESIA, RETARDATION, GENITAL AND EAR ANOMALIES. Identifiers: Orphanet 138, MedGen C0265354, MONDO:0008965.

Submissions (2):

Labcorp Genetics (formerly Invitae), Labcorp
Classification: Pathogenic for CHARGE syndrome. Last evaluated: 2023-03-16. Review status: criteria provided, single submitter. Criteria: Invitae Variant Classification Sherloc (09022015). Collection method: clinical testing. Allele origin: germline.
Comment: This variant is not present in population databases (gnomAD no frequency). This sequence change creates a premature translational stop signal (p.Asp2684Thrfs*5) in the CHD7 gene. While this is not anticipated to result in nonsense mediated decay, it is expected to disrupt the last 314 amino acid(s) of the CHD7 protein. This variant has not been reported in the literature in individuals affected with CHD7-related conditions. For these reasons, this variant has been classified as Pathogenic. This variant disrupts a region of the CHD7 protein in which other variant(s) (p.Asp2988Glyfs*2) have been determined to be pathogenic (PMID: 8073582, 31564432). This suggests that this is a clinically significant region of the protein, and that variants that disrupt it are likely to be disease-causing. ClinVar contains an entry for this variant (Variation ID: 689612).

HudsonAlpha Institute for Biotechnology
Classification: Pathogenic for CHD7-related CHARGE syndrome. Last evaluated: 2019-01-09. Review status: criteria provided, single submitter. Criteria: ACMG Guidelines, 2015. Collection method: research. Allele origin: paternal. Affected: yes. Observed: 1 variant allele. Study: CSER-SouthSeq.
Comment: ACMG codes: PVS1, PM2, PP4

Literature cited by the submitters: PubMed 8073582 (cited by Labcorp Genetics (formerly Invitae), Labcorp); PubMed 31564432 (cited by Labcorp Genetics (formerly Invitae), Labcorp).